The following is an entry in ClinVar:

ClinVar aggregate classification (germline): Uncertain significance (1 of 4 stars; one submission).

Conditions:
Familial sleep-related hypermotor epilepsy. Also called: Autosomal Dominant Sleep-Related Hypermotor (Hyperkinetic) Epilepsy. Identifiers: Orphanet 98784, MedGen C3696898, MONDO:0000030.

Submission:

Labcorp Genetics (formerly Invitae), Labcorp
Classification: Uncertain significance. Last evaluated: 2025-09-24. Review status: criteria provided, single submitter. Criteria: Invitae Variant Classification Sherloc (09022015). Collection method: clinical testing. Allele origin: germline.
Comment: This sequence change replaces alanine, which is neutral and non-polar, with valine, which is neutral and non-polar, at codon 56 of the CHRNA4 protein (p.Ala56Val). This variant is not present in population databases (gnomAD no frequency). This variant has not been reported in the literature in individuals affected with CHRNA4-related conditions. Invitae Evidence Modeling of protein sequence and biophysical properties (such as structural, functional, and spatial information, amino acid conservation, physicochemical variation, residue mobility, and thermodynamic stability) indicates that this missense variant is not expected to disrupt CHRNA4 protein function with a negative predictive value of 80%. In summary, the available evidence is currently insufficient to determine the role of this variant in disease. Therefore, it has been classified as a Variant of Uncertain Significance.

NM_000744.7(CHRNA4):c.167C>T (p.Ala56Val)

Gene: CHRNA4 (cholinergic receptor nicotinic alpha 4 subunit; minus strand). Cytogenetic location: 20q13.33.
Variant type: single nucleotide variant.
Coding change: c.167C>T on transcript NM_000744.7 (MANE Select); coding-DNA position 167, C replaced by T.
Protein change: p.Ala56Val; replaces alanine 56 with valine.
Molecular consequence: missense variant. On other transcripts: 5 prime UTR variant (1), non-coding transcript variant (1).
Genome position (GRCh38, 1-based): chr20:63,359,609, G>A on the plus strand (C>T on the coding strand, the complement: CHRNA4 is on the minus strand). VCF-style: chr20-63359609-G-A. GRCh37 (hg19) VCF-style: chr20-61990961-G-A.
Other names: c.-380C>T (NM_001256573.2); short protein forms A56V.
Identifiers: ClinVar variation 4746775 (VCV004746775.1).
Genomic context (GRCh38, chr20:63,359,609, plus strand): 5'-ACGTCAATGAGCTGAGCGATGGACAGGCCGAAGCGGACGAGGACCACGTCCGAGATGTTG[G>A]CCACGGGTCGGGACCACTTGTTGTAACCGGAGAAGAGTTTCTTCAGGAGCCGCTCCTCGG-3'
Protein context (NP_000735.1, residues 46-66): SGYNKWSRPV[Ala56Val]NISDVVLVRF